The following is an entry in ClinVar:

NM_001164760.2(PRKAR1B):c.339C>T (p.Tyr113=)

Gene: PRKAR1B (protein kinase cAMP-dependent type I regulatory subunit beta; minus strand). Cytogenetic location: 7p22.3.
Variant type: single nucleotide variant.
Coding change: c.339C>T on transcript NM_001164760.2 (MANE Select); coding-DNA position 339, C replaced by T.
Protein change: p.Tyr113=; no amino-acid change (tyrosine 113 retained).
Molecular consequence: synonymous variant.
Genome position (GRCh38, 1-based): chr7:680,565, G>A on the plus strand (C>T on the coding strand, the complement: PRKAR1B is on the minus strand). VCF-style: chr7-680565-G-A. GRCh37 (hg19) VCF-style: chr7-720202-G-A.
Other names: c.339C>T, p.Tyr113= (NM_001164758.2, NM_001164759.1, NM_001164761.2 and 2 more transcripts).
Identifiers: ClinVar variation 793550 (VCV000793550.5), dbSNP rs192066279, ClinGen allele CA4110208.

ClinVar aggregate classification (germline): Likely benign. Review status: criteria provided, single submitter (1 of 4 stars). 2 submissions from 2 submitters: Likely benign (1). 1 of the submissions does not count toward it. Last evaluated 2018-11-03.

Conditions:
PRKAR1B-related disorder. Also called: PRKAR1B-related condition.

Allele frequency attached by ClinVar (database versions not stated): TOPMed 0.00006; ExAC 0.00008; ESP Exome Variant Server 0.00008; gnomAD 0.00008; gnomAD exomes 0.00008 and 0.00010; 1000 Genomes Project 30x 0.00016; 1000 Genomes Project 0.00020.

Submissions (2):

Labcorp Genetics (formerly Invitae), Labcorp
Classification: Likely benign. Last evaluated: 2018-11-03. Review status: criteria provided, single submitter. Criteria: Invitae Variant Classification Sherloc (09022015). Collection method: clinical testing. Allele origin: germline.

PreventionGenetics, part of Exact Sciences
Classification: Likely benign for PRKAR1B-related condition. Last evaluated: 2019-06-10. Review status: no assertion criteria provided. Collection method: clinical testing. Allele origin: germline. Not counted in ClinVar's aggregate classification.
Comment: This variant is classified as likely benign based on ACMG/AMP sequence variant interpretation guidelines (Richards et al. 2015 PMID: 25741868, with internal and published modifications).